The following is an entry in ClinVar:

ClinVar aggregate classification (germline): Benign/Likely benign. Review status: criteria provided, multiple submitters, no conflicts (2 of 4 stars). 6 submissions from 6 submitters: Benign (2); Likely benign (1). 3 of the submissions do not count toward it. Last evaluated 2026-07-01.

Conditions:
KMT2C-related disorder. Also called: KMT2C-related disorders; KMT2C-related condition.

Allele frequency attached by ClinVar (database versions not stated): 1000 Genomes Project 30x 0.00250; 1000 Genomes Project 0.00260; TOPMed 0.00464; ESP Exome Variant Server 0.00561; gnomAD exomes 0.00648 and 0.00723; gnomAD 0.00653 and 0.00662; ExAC 0.00685.
gnomAD v4.1: 11,096 of 1,563,302 alleles (0.71%); highest among the groups gnomAD compares: Non-Finnish European, 0.78%; 60 homozygotes.

Submissions (6):

CeGaT Center for Human Genetics Tuebingen
Classification: Benign. Last evaluated: 2026-07-01. Review status: criteria provided, single submitter. Criteria: CeGaT Center For Human Genetics Tuebingen Variant Classification Criteria Version 2. Collection method: clinical testing. Allele origin: germline. Affected: yes. Observed: 69 variant alleles.
Comment: KMT2C: BP4, BP7, BS1, BS2

Labcorp Genetics (formerly Invitae), Labcorp
Classification: Benign. Last evaluated: 2026-01-12. Review status: criteria provided, single submitter. Criteria: Invitae Variant Classification Sherloc (09022015). Collection method: clinical testing. Allele origin: germline.

Breakthrough Genomics
Classification: Likely benign. Review status: criteria provided, single submitter. Criteria: ACMG Guidelines, 2015. Collection method: not provided. Allele origin: germline. Inheritance: Autosomal dominant inheritance. Affected: yes.

PreventionGenetics, part of Exact Sciences
Classification: Benign for KMT2C-related condition. Last evaluated: 2022-01-19. Review status: no assertion criteria provided. Collection method: clinical testing. Allele origin: germline. Not counted in ClinVar's aggregate classification.
Comment: This variant is classified as benign based on ACMG/AMP sequence variant interpretation guidelines (Richards et al. 2015 PMID: 25741868, with internal and published modifications).

Clinical Genetics DNA and cytogenetics Diagnostics Lab, Erasmus MC, Erasmus Medical Center
Classification: Likely benign. Review status: no assertion criteria provided. Collection method: clinical testing. Allele origin: germline. Affected: yes. Study: VKGL Data-share Consensus. Not counted in ClinVar's aggregate classification.

Joint Genome Diagnostic Labs from Nijmegen and Maastricht, Radboudumc and MUMC+
Classification: Benign. Review status: no assertion criteria provided. Collection method: clinical testing. Allele origin: germline. Affected: yes. Study: VKGL Data-share Consensus. Not counted in ClinVar's aggregate classification.

NM_170606.3(KMT2C):c.7491C>T (p.Arg2497=)

Gene: KMT2C (lysine methyltransferase 2C; minus strand). Cytogenetic location: 7q36.1.
Variant type: single nucleotide variant.
Coding change: c.7491C>T on transcript NM_170606.3 (MANE Select); coding-DNA position 7491, C replaced by T.
Protein change: p.Arg2497=; no amino-acid change (arginine 2497 retained).
Molecular consequence: synonymous variant.
Genome position (GRCh38, 1-based): chr7:152,177,962, G>A on the plus strand (C>T on the coding strand, the complement: KMT2C is on the minus strand). VCF-style: chr7-152177962-G-A. GRCh37 (hg19) VCF-style: chr7-151875047-G-A.
Identifiers: ClinVar variation 769337 (VCV000769337.47), dbSNP rs117187677, ClinGen allele CA4579811.